The following is an entry in ClinVar:

ClinVar aggregate classification (germline): Uncertain significance (1 of 4 stars; one submission).

Conditions:
Tumor predisposition syndrome 3 (TPDS3). Also called: Melanoma, cutaneous malignant, susceptibility to, 10; LONG TELOMERE SYNDROME, POT1-RELATED; POT1 Tumor Predisposition; Glioma susceptibility 9. Identifiers: Orphanet 618, MedGen C4014476, MONDO:0014368, OMIM 615848.

Submission:

Labcorp Genetics (formerly Invitae), Labcorp
Classification: Uncertain significance for Tumor predisposition syndrome 3. Last evaluated: 2021-07-22. Review status: criteria provided, single submitter. Criteria: Invitae Variant Classification Sherloc (09022015). Collection method: clinical testing. Allele origin: germline.
Comment: This variant disrupts the p.Arg117 amino acid residue in POT1. Other variant(s) that disrupt this residue have been determined to be pathogenic (PMID: 26403419; Invitae). This suggests that this residue is clinically significant, and that variants that disrupt this residue are likely to be disease-causing. In summary, the available evidence is currently insufficient to determine the role of this variant in disease. Therefore, it has been classified as a Variant of Uncertain Significance. Algorithms developed to predict the effect of missense changes on protein structure and function are either unavailable or do not agree on the potential impact of this missense change (SIFT: "Deleterious"; PolyPhen-2: "Possibly Damaging"; Align-GVGD: "Class C0"). This variant has not been reported in the literature in individuals affected with POT1-related conditions. This variant is not present in population databases (ExAC no frequency). This sequence change replaces arginine with leucine at codon 117 of the POT1 protein (p.Arg117Leu). The arginine residue is highly conserved and there is a moderate physicochemical difference between arginine and leucine.

Literature cited by the submitters: PubMed 26403419.

NM_015450.3(POT1):c.350G>T (p.Arg117Leu)

Gene: POT1 (protection of telomeres 1; minus strand). Cytogenetic location: 7q31.33.
Variant type: single nucleotide variant.
Coding change: c.350G>T on transcript NM_015450.3 (MANE Select); coding-DNA position 350, G replaced by T.
Protein change: p.Arg117Leu; replaces arginine 117 with leucine.
Molecular consequence: missense variant. On other transcripts: 5 prime UTR variant (1), non-coding transcript variant (3).
Genome position (GRCh38, 1-based): chr7:124,863,546, C>A on the plus strand (G>T on the coding strand, the complement: POT1 is on the minus strand). VCF-style: chr7-124863546-C-A. GRCh37 (hg19) VCF-style: chr7-124503600-C-A.
Other names: c.-44G>T (NM_001042594.2); short protein forms R117L.
Identifiers: ClinVar variation 1477042 (VCV001477042.8), dbSNP rs1385542313, ClinGen allele CA369059963.